The following is an entry in ClinVar:

ClinVar aggregate classification (germline): Uncertain significance (1 of 4 stars; one submission).

Conditions:
Autosomal dominant nonsyndromic hearing loss 11. Identifiers: Orphanet 90635, MedGen C1832475, MONDO:0011032, OMIM 601317.
Autosomal recessive nonsyndromic hearing loss 2. Also called: DEAFNESS, AUTOSOMAL RECESSIVE 2; NEUROSENSORY NONSYNDROMIC RECESSIVE DEAFNESS 2. Identifiers: Orphanet 90636, MedGen C1838701, MONDO:0010807, OMIM 600060.
Usher syndrome type 1 (USH1). Also called: RETINITIS PIGMENTOSA AND CONGENITAL DEAFNESS. Identifiers: Orphanet 231169, Orphanet 886, MedGen C1568247, MONDO:0010168, OMIM 276900.

Submission:

Juno Genomics, Hangzhou Juno Genomics, Inc
Classification: Uncertain significance for Autosomal dominant nonsyndromic hearing loss 11; Autosomal recessive nonsyndromic hearing loss 2; Usher syndrome type 1. Review status: criteria provided, single submitter. Criteria: ACMG Guidelines, 2015. Collection method: clinical testing. Allele origin: germline. Affected: yes.
Comment: Absent from controls (or at extremely low frequency if recessive) in Genome Aggregation Database, Exome Sequencing Project, 1000 Genomes Project, or Exome Aggregation Consortium.;Multiple lines of computational evidence support a deleterious effect on the gene or gene product (conservation, evolutionary, splicing impact, etc).

NM_000260.4(MYO7A):c.701A>G (p.Gln234Arg)

Gene: MYO7A (myosin VIIA; plus strand). Cytogenetic location: 11q13.5.
Variant type: single nucleotide variant.
Coding change: c.701A>G on transcript NM_000260.4 (MANE Select); coding-DNA position 701, A replaced by G.
Protein change: p.Gln234Arg; replaces glutamine 234 with arginine.
Molecular consequence: missense variant.
Genome position (GRCh38, 1-based): chr11:77,156,970, A>G. VCF-style: chr11-77156970-A-G. GRCh37 (hg19) VCF-style: chr11-76868016-A-G.
Other names: c.701A>G, p.Gln234Arg (NM_001127180.2); c.668A>G, p.Gln223Arg (NM_001369365.1); short protein forms Q223R, Q234R.
Identifiers: ClinVar variation 3382788 (VCV003382788.2).